The following is an entry in ClinVar:

NM_012144.4(DNAI1):c.1212T>G (p.Tyr404Ter)

Gene: DNAI1 (dynein axonemal intermediate chain 1; plus strand). Cytogenetic location: 9p13.3.
Variant type: single nucleotide variant.
Coding change: c.1212T>G on transcript NM_012144.4 (MANE Select); coding-DNA position 1212, T replaced by G.
Protein change: p.Tyr404Ter; replaces tyrosine 404 with a stop codon.
Molecular consequence: nonsense.
Genome position (GRCh38, 1-based): chr9:34,506,775, T>G. VCF-style: chr9-34506775-T-G. GRCh37 (hg19) VCF-style: chr9-34506773-T-G.
Other names: p.Tyr404*; c.1224T>G, p.Tyr408Ter (NM_001281428.2); short protein forms Y404*, Y408*.
Identifiers: ClinVar variation 952542 (VCV000952542.15), dbSNP rs926347298, ClinGen allele CA192646101.

ClinVar aggregate classification (germline): Pathogenic/Likely pathogenic. Review status: criteria provided, multiple submitters, no conflicts (2 of 4 stars). 6 submissions from 6 submitters: Pathogenic (4); Likely pathogenic (2). Last evaluated 2025-11-01.

Conditions:
Kartagener syndrome (CILD1). Also called: CILIARY DYSKINESIA, PRIMARY, 1; CILIARY DYSKINESIA, PRIMARY, 1, WITH OR WITHOUT SITUS INVERSUS; IMMOTILE CILIA SYNDROME; Dextrocardia bronchiectasis and sinusitis; SIEWERT SYNDROME; POLYNESIAN BRONCHIECTASIS. Identifiers: Orphanet 244, MedGen C4551906, MONDO:0009484, OMIM 244400.
Primary ciliary dyskinesia. Also called: Ciliary dyskinesia. Identifiers: Orphanet 244, MedGen C0008780, MONDO:0016575, HP:0012265.

Allele frequency attached by ClinVar (database versions not stated): gnomAD exomes below 0.00001; TOPMed 0.00002; gnomAD 0.00003 and 0.00004.
gnomAD v4.1: 8 of 1,614,064 alleles (0.0005%); highest among the groups gnomAD compares: African/African-American, 0.0013%; no homozygotes.

Submissions (6):

Labcorp Genetics (formerly Invitae), Labcorp
Classification: Pathogenic for Primary ciliary dyskinesia. Last evaluated: 2025-11-01. Review status: criteria provided, single submitter. Criteria: Invitae Variant Classification Sherloc (09022015). Collection method: clinical testing. Allele origin: germline.
Comment: This sequence change creates a premature translational stop signal (p.Tyr404*) in the DNAI1 gene. It is expected to result in an absent or disrupted protein product. Loss-of-function variants in DNAI1 are known to be pathogenic (PMID: 16858015, 29363216). This variant is present in population databases (no rsID available, gnomAD 0.007%). This premature translational stop signal has been observed in individuals with clinical features of primary ciliary dyskinesia (PMID: 16858015, 21270641). ClinVar contains an entry for this variant (Variation ID: 952542). For these reasons, this variant has been classified as Pathogenic.

Mayo Clinic Laboratories, Mayo Clinic
Classification: Pathogenic. Last evaluated: 2025-02-26. Review status: criteria provided, single submitter. Criteria: ACMG Guidelines, 2015. Collection method: clinical testing. Allele origin: germline. Observed: 1 variant allele.
Comment: PM2_supporting, PM3_strong, PVS1

Fulgent Genetics
Classification: Pathogenic for Kartagener syndrome. Last evaluated: 2024-03-14. Review status: criteria provided, single submitter. Criteria: ACMG Guidelines, 2015. Collection method: clinical testing. Allele origin: germline.

Greenwood Genetic Center Diagnostic Laboratories, Greenwood Genetic Center
Classification: Likely pathogenic for Kartagener syndrome. Last evaluated: 2023-01-31. Review status: criteria provided, single submitter. Criteria: ACMG Guidelines, 2015. Collection method: clinical testing. Allele origin: germline. Affected: yes.
Comment: PVS1, PM2

Ambry Genetics
Classification: Pathogenic for Primary ciliary dyskinesia. Last evaluated: 2022-09-30. Review status: criteria provided, single submitter. Criteria: Ambry Variant Classification Scheme 2023. Collection method: clinical testing. Allele origin: germline.
Comment: The p.Y404* pathogenic mutation (also known as c.1212T>G), located in coding exon 13 of the DNAI1 gene, results from a T to G substitution at nucleotide position 1212. This changes the amino acid from a tyrosine to a stop codon within coding exon 13. This alteration has been detected in trans with another DNAI1 pathogenic mutation in an individual with primary ciliary dyskinesia and dextrocardia (Zariwala MA et al. Am J Respir Crit Care Med, 2006 Oct;174:858-66). This alteration is expected to result in loss of function by premature protein truncation or nonsense-mediated mRNA decay. As such, this alteration is interpreted as a disease-causing mutation.

UNC Molecular Genetics  Laboratory, University of North Carolina at Chapel Hill
Classification: Likely pathogenic for Primary ciliary dyskinesia. Last evaluated: 2019-12-30. Review status: criteria provided, single submitter. Criteria: ACMG Guidelines, 2015. Collection method: clinical testing. Allele origin: germline. Affected: yes. Observed: 1 compound heterozygote.

Literature cited by the submitters: PubMed 16858015 (cited by 4 submitters); PubMed 29363216 (cited by Labcorp Genetics (formerly Invitae), Labcorp); PubMed 21270641 (cited by 3 submitters).